The following is an entry in ClinVar:

NM_001135022.2(ELMOD3):c.512A>G (p.His171Arg)

Gene: ELMOD3 (ELMO domain containing 3; plus strand). Cytogenetic location: 2p11.2.
Variant type: single nucleotide variant.
Coding change: c.512A>G on transcript NM_001135022.2 (MANE Select); coding-DNA position 512, A replaced by G.
Protein change: p.His171Arg; replaces histidine 171 with arginine.
Molecular consequence: missense variant. On other transcripts: non-coding transcript variant (1).
Genome position (GRCh38, 1-based): chr2:85,371,467, A>G. VCF-style: chr2-85371467-A-G. GRCh37 (hg19) VCF-style: chr2-85598590-A-G.
Other names: c.512A>G, p.His171Arg (NM_001135021.2, NM_001135023.2, NM_001329791.2 and 2 more transcripts); short protein forms H171R.
Identifiers: ClinVar variation 1210213 (VCV001210213.7), dbSNP rs1280785617, ClinGen allele CA347483815.

ClinVar aggregate classification (germline): Conflicting classifications of pathogenicity. Review status: criteria provided, conflicting classifications (1 of 4 stars). 4 submissions from 4 submitters: Likely pathogenic (1); Uncertain significance (2). 1 of the submissions does not count toward it. Last evaluated 2024-05-13.

Conditions:
Autosomal recessive nonsyndromic hearing loss 88. Also called: Deafness, autosomal recessive 88. Identifiers: Orphanet 90636, MedGen C2829267, MONDO:0014182, OMIM 615429.
Hearing loss, autosomal dominant 81. Also called: Deafness, autosomal dominant 81. Identifiers: MedGen C5561972, MONDO:0030549, OMIM 619500.

Allele frequency attached by ClinVar (database versions not stated): TOPMed below 0.00001; gnomAD 0.00001.
gnomAD v4.1: 3 of 1,614,112 alleles (0.00019%); highest among the groups gnomAD compares: Non-Finnish European, 0.00025%; no homozygotes.

Submissions (4):

SIB Swiss Institute of Bioinformatics
Classification: Uncertain significance for Hearing loss, autosomal dominant 81. Last evaluated: 2024-05-13. Review status: criteria provided, single submitter. Criteria: ACMG Guidelines, 2015. Collection method: curation. Allele origin: unknown. Inheritance: Autosomal dominant inheritance.
Comment: This variant is interpreted as VUS for Deafness, autosomal dominant 81. The following ACMG Tag(s) were applied: Absent from controls (or at extremely low frequency if recessive) in Exome Sequencing Project, 1000 Genomes Project, or Exome Aggregation Consortium (PM2_supporting); Cosegregation with disease in multiple affected family members (PP1_ moderate); Well-established functional studies show a deleterious effect (PS3_supporting).

Clinical Genetics Service, Universitary Hospital 12 de Octubre
Classification: Likely pathogenic for Hearing loss, autosomal dominant 81. Review status: criteria provided, single submitter. Criteria: ACMG Guidelines, 2015. Collection method: clinical testing. Allele origin: germline. Affected: yes.

Juno Genomics, Hangzhou Juno Genomics, Inc
Classification: Uncertain significance for Hearing loss, autosomal dominant 81; Autosomal recessive nonsyndromic hearing loss 88. Review status: criteria provided, single submitter. Criteria: ACMG Guidelines, 2015. Collection method: clinical testing. Allele origin: germline.
Comment: Co-segregation with disease in multiple affected family members.;The prevalence of the variant in affected individuals is significantly increased compared to the prevalence in controls.;Absent from controls (or at extremely low frequency if recessive) in Genome Aggregation Database.;Well-established in vitro or in vivo functional studies supportive of a damaging effect on the gene or gene product.

OMIM
Classification: Pathogenic for DEAFNESS, AUTOSOMAL DOMINANT 81 (1 family). Last evaluated: 2024-11-06. Review status: no assertion criteria provided. Collection method: literature only. Allele origin: germline. Not counted in ClinVar's aggregate classification.

Literature cited by the submitters: PubMed 29713870 (cited by SIB Swiss Institute of Bioinformatics and OMIM).